The following is an entry in ClinVar:

ClinVar aggregate classification (germline): Uncertain significance. Review status: criteria provided, multiple submitters, no conflicts (2 of 4 stars). 2 submissions from 2 submitters: Uncertain significance (2). Last evaluated 2024-11-27.

Conditions:
Cardiovascular phenotype. Identifiers: MedGen CN230736.
Hypertrophic cardiomyopathy. Also called: HYPERTROPHIC MYOCARDIOPATHY. Identifiers: Orphanet 217569, MedGen C0007194, MeSH D002312, MONDO:0005045, HP:0001639.

Submissions (2):

Ambry Genetics
Classification: Uncertain significance for Cardiovascular phenotype. Last evaluated: 2024-11-27. Review status: criteria provided, single submitter. Criteria: Ambry Variant Classification Scheme 2023. Collection method: clinical testing. Allele origin: germline.
Comment: The p.K1316N variant (also known as c.3948G>C), located in coding exon 27 of the MYH7 gene, results from a G to C substitution at nucleotide position 3948. The lysine at codon 1316 is replaced by asparagine, an amino acid with similar properties. This amino acid position is highly conserved in available vertebrate species. In addition, this alteration is predicted to be tolerated by in silico analysis. Based on the available evidence, the clinical significance of this variant remains unclear.

Labcorp Genetics (formerly Invitae), Labcorp
Classification: Uncertain significance for Hypertrophic cardiomyopathy. Last evaluated: 2023-09-10. Review status: criteria provided, single submitter. Criteria: Invitae Variant Classification Sherloc (09022015). Collection method: clinical testing. Allele origin: germline.
Comment: In summary, the available evidence is currently insufficient to determine the role of this variant in disease. Therefore, it has been classified as a Variant of Uncertain Significance. This sequence change replaces lysine, which is basic and polar, with asparagine, which is neutral and polar, at codon 1316 of the MYH7 protein (p.Lys1316Asn). This variant is not present in population databases (gnomAD no frequency). This variant has not been reported in the literature in individuals affected with MYH7-related conditions. Advanced modeling of protein sequence and biophysical properties (such as structural, functional, and spatial information, amino acid conservation, physicochemical variation, residue mobility, and thermodynamic stability) performed at Invitae indicates that this missense variant is expected to disrupt MYH7 protein function.

NM_000257.4(MYH7):c.3948G>C (p.Lys1316Asn)

Gene: MYH7 (myosin heavy chain 7; minus strand). Cytogenetic location: 14q11.2.
Variant type: single nucleotide variant.
Coding change: c.3948G>C on transcript NM_000257.4 (MANE Select); coding-DNA position 3948, G replaced by C.
Protein change: p.Lys1316Asn; replaces lysine 1316 with asparagine.
Molecular consequence: missense variant.
Genome position (GRCh38, 1-based): chr14:23,419,201, C>G on the plus strand (G>C on the coding strand, the complement: MYH7 is on the minus strand). VCF-style: chr14-23419201-C-G. GRCh37 (hg19) VCF-style: chr14-23888410-C-G.
Other names: c.3948G>C, p.Lys1316Asn (NM_001407004.1); short protein forms K1316N.
Identifiers: ClinVar variation 3015843 (VCV003015843.4), dbSNP rs774659715, ClinGen allele CA389041497.